The following is an entry in ClinVar:

NM_015368.4(PANX1):c.261T>C (p.Ala87=)

Gene: PANX1 (pannexin 1; plus strand). Cytogenetic location: 11q21.
Variant type: single nucleotide variant.
Coding change: c.261T>C on transcript NM_015368.4 (MANE Select); coding-DNA position 261, T replaced by C.
Protein change: p.Ala87=; no amino-acid change (alanine 87 retained).
Molecular consequence: synonymous variant.
Genome position (GRCh38, 1-based): chr11:94,153,570, T>C. VCF-style: chr11-94153570-T-C. GRCh37 (hg19) VCF-style: chr11-93886736-T-C.
Identifiers: ClinVar variation 3044000 (VCV003044000.2), dbSNP rs1473435201, ClinGen allele CA476403814.

ClinVar aggregate classification (germline): Likely benign (0 of 4 stars; one submission).

Conditions:
PANX1-related disorder. Also called: PANX1-related condition.

Allele frequency attached by ClinVar (database versions not stated): TOPMed below 0.00001; gnomAD 0.00001; gnomAD exomes 0.00001.
gnomAD v4.1: 15 of 1,613,942 alleles (0.00093%); highest among the groups gnomAD compares: African/African-American, 0.015%; no homozygotes.

Submission:

PreventionGenetics, part of Exact Sciences
Classification: Likely benign for PANX1-related condition. Last evaluated: 2019-05-28. Review status: no assertion criteria provided. Collection method: clinical testing. Allele origin: germline.
Comment: This variant is classified as likely benign based on ACMG/AMP sequence variant interpretation guidelines (Richards et al. 2015 PMID: 25741868, with internal and published modifications).